The following is an entry in ClinVar:

ClinVar aggregate classification (germline): Likely benign. Review status: criteria provided, single submitter (1 of 4 stars). 2 submissions from 1 submitter: Likely benign (2). Last evaluated 2018-01-13.

Conditions:
Charcot-Marie-Tooth disease, axonal, with vocal cord paresis, autosomal recessive. Also called: CHARCOT-MARIE-TOOTH DISEASE, TYPE 4A, AXONAL FORM; CHARCOT-MARIE-TOOTH NEUROPATHY, AXONAL, WITH VOCAL CORD PARESIS, AUTOSOMAL RECESSIVE; CMT2 WITH VOCAL CORD PARESIS, AUTOSOMAL RECESSIVE. Identifiers: Orphanet 101097, MedGen C1843183, MONDO:0011898, OMIM 607706.
Charcot-Marie-Tooth disease recessive intermediate A (CMTRIA). Also called: CHARCOT-MARIE-TOOTH NEUROPATHY, RECESSIVE INTERMEDIATE A. Identifiers: Orphanet 217055, MedGen C1842197, MONDO:0012014, OMIM 608340.

Allele frequency attached by ClinVar (database versions not stated): ExAC 0.00074; gnomAD exomes 0.00302 and 0.00514; 1000 Genomes Project 0.01977; 1000 Genomes Project 30x 0.02295; gnomAD 0.02337 and 0.02523; TOPMed 0.02688.
gnomAD v4.1: 4,451 of 453,826 alleles (0.98%); highest among the groups gnomAD compares: African/African-American, 7.9%; 154 homozygotes.

Submissions (2):

Illumina Laboratory Services, Illumina
Classification: Likely benign for Charcot-Marie-Tooth disease recessive intermediate A. Last evaluated: 2018-01-13. Review status: criteria provided, single submitter. Criteria: ICSL Variant Classification Criteria 13 December 2019. Collection method: clinical testing. Allele origin: germline.
Comment: This variant was observed in the ICSL laboratory as part of a predisposition screen in an ostensibly healthy population. It had not been previously curated by ICSL or reported in the Human Gene Mutation Database (HGMD: prior to June 1st, 2018), and was therefore a candidate for classification through an automated scoring system. Utilizing variant allele frequency, disease prevalence and penetrance estimates, and inheritance mode, an automated score was calculated to assess if this variant is too frequent to cause the disease. Based on the score and internal cut-off values, a variant classified as likely benign is not then subjected to further curation. The score for this variant resulted in a classification of likely benign for this disease.

Illumina Laboratory Services, Illumina
Classification: Likely benign for Charcot-Marie-Tooth disease, axonal, with vocal cord paresis, autosomal recessive. Last evaluated: 2018-01-13. Review status: criteria provided, single submitter. Criteria: ICSL Variant Classification Criteria 13 December 2019. Collection method: clinical testing. Allele origin: germline.
Comment: the same text as in the submission from Illumina Laboratory Services, Illumina above.

NM_018972.4(GDAP1):c.*2408G>A

Gene: GDAP1 (ganglioside induced differentiation associated protein 1; plus strand). Cytogenetic location: 8q21.11.
Variant type: single nucleotide variant.
Coding change: c.*2408G>A on transcript NM_018972.4 (MANE Select); 2408 bases downstream of the stop codon, G replaced by A.
Molecular consequence: 3 prime UTR variant. On other transcripts: intron variant (1).
Genome position (GRCh38, 1-based): chr8:74,366,775, G>A. VCF-style: chr8-74366775-G-A. GRCh37 (hg19) VCF-style: chr8-75279010-G-A.
Other names: c.*2408G>A (NM_001040875.4, NM_001362929.2, NM_001362930.2 and 1 more transcripts); c.694+3722G>A (NM_001362931.2).
Identifiers: ClinVar variation 363760 (VCV000363760.5), dbSNP rs11996204, ClinGen allele CA4785371.